The following is an entry in ClinVar:

ClinVar aggregate classification (germline): Conflicting classifications of pathogenicity. Review status: criteria provided, conflicting classifications (1 of 4 stars). 3 submissions from 3 submitters: Likely pathogenic (1); Uncertain significance (1). 1 of the submissions does not count toward it. Last evaluated 2025-07-09.

Conditions:
Hereditary cancer-predisposing syndrome. Also called: Tumor predisposition; Hereditary neoplastic syndrome; Hereditary Cancer Syndrome; Neoplastic Syndromes, Hereditary. Identifiers: Orphanet 140162, MedGen C0027672, MeSH D009386, MONDO:0015356.

Submissions (3):

Ambry Genetics
Classification: Likely pathogenic for Hereditary cancer-predisposing syndrome. Last evaluated: 2025-07-09. Review status: criteria provided, single submitter. Criteria: Ambry Variant Classification Scheme 2023. Collection method: clinical testing. Allele origin: germline.
Comment: The p.M1? variant (also known as c.2T>C) is located in coding exon 1 of the CTNNA1 gene and results from a T to C substitution at nucleotide position 2. This alters the methionine residue at the initiation codon (ATG). Sequence variations that modify the initiation codon are expected to result in either loss of translation initiation, N-terminal truncation, or cause a shift in the mRNA reading frame. This variant is considered to be rare based on population cohorts in the Genome Aggregation Database (gnomAD). Based on the majority of available evidence to date, this variant is likely to be pathogenic.

Labcorp Genetics (formerly Invitae), Labcorp
Classification: Uncertain significance. Last evaluated: 2022-12-15. Review status: criteria provided, single submitter. Criteria: Invitae Variant Classification Sherloc (09022015). Collection method: clinical testing. Allele origin: germline.
Comment: This sequence change affects the initiator methionine of the CTNNA1 mRNA. The next in-frame methionine is located at codon 104. This variant is not present in population databases (gnomAD no frequency). This variant has not been reported in the literature in individuals affected with CTNNA1-related conditions. ClinVar contains an entry for this variant (Variation ID: 1049135). In summary, the available evidence is currently insufficient to determine the role of this variant in disease. Therefore, it has been classified as a Variant of Uncertain Significance.

Department of Pathology and Laboratory Medicine, Sinai Health System
Classification: Uncertain significance. Review status: no assertion criteria provided. Collection method: clinical testing. Allele origin: unknown. Affected: yes. Study: The Canadian Open Genetics Repository (COGR). Not counted in ClinVar's aggregate classification.
Comment: The CTNNA1 p.M1? variant was not identified in the literature nor was it identified in dbSNP, ClinVar, LOVD 3.0 or in the following control databases: the 1000 Genomes Project, the NHLBI GO Exome Sequencing Project, or the Genome Aggregation Database (March 6, 2019, v2.1.1). The p.M1? variant results in the loss of the initiation codon which is predicted to lead to an absent protein and loss of function; however, loss of function variants of the CTNNA1 gene are not a known mechanism of disease. The variant occurs outside of the splicing consensus sequence and in silico or computational prediction software programs (SpliceSiteFinder, MaxEntScan, NNSPLICE, GeneSplicer) do not predict a difference in splicing. In summary, based on the above information the clinical significance of this variant cannot be determined with certainty at this time. This variant is classified as a variant of uncertain significance.

NM_001903.5(CTNNA1):c.2T>C (p.Met1Thr)

Gene: CTNNA1 (catenin alpha 1; plus strand). Cytogenetic location: 5q31.2.
Variant type: single nucleotide variant.
Coding change: c.2T>C on transcript NM_001903.5 (MANE Select); coding-DNA position 2, T replaced by C.
Protein change: p.Met1Thr; changes the start codon (methionine 1).
Molecular consequence: missense variant, initiator codon variant. On other transcripts: 5 prime UTR variant (2).
Genome position (GRCh38, 1-based): chr5:138,781,926, T>C. VCF-style: chr5-138781926-T-C. GRCh37 (hg19) VCF-style: chr5-138117615-T-C.
Other names: c.2T>C, p.Met1Thr (NM_001290307.3, NM_001323982.2, NM_001323983.1 and 3 more transcripts); c.-112T>C (NM_001290309.3); c.-205T>C (NM_001290310.3); c.2T>C (NM_001903.2); short protein forms M1T.
Identifiers: ClinVar variation 1049135 (VCV001049135.7), dbSNP rs2149651722, ClinGen allele CA361477018.
Genomic context (GRCh38, chr5:138,781,926, plus strand): 5'-ACATATTTCATGTTTGTGTTTGATGTTTGCCTGACTGACTTTTTGTTTCTTATTTAGAAA[T>C]GACTGCTGTCCATGCAGGCAACATAAACTTCAAGTGGGATCCTAAAAGTCTAGAGATCAG-3'
Protein context (NP_001894.2, residues 1-11): [Met1Thr]TAVHAGNINF